The following is an entry in ClinVar:

ClinVar aggregate classification (germline): Conflicting classifications of pathogenicity. Review status: criteria provided, conflicting classifications (1 of 4 stars). 10 submissions from 10 submitters: Uncertain significance (9); Likely benign (1). Last evaluated 2026-08-12.

Conditions:
Congenital myopathy with fiber type disproportion. Also called: Congenital fiber-type disproportion; Congenital fiber-type disproportion myopathy. Identifiers: Orphanet 2020, MedGen C0546264, MONDO:0009711. Inheritance: all.
Congenital multicore myopathy with external ophthalmoplegia (CMYO1B). Also called: MULTICORE MYOPATHY; Congenital myopathy 1B, autosomal recessive; Minicore myopathy; Minicore myopathy with external ophthalmoplegia; MULTIMINICORE DISEASE WITH EXTERNAL OPHTHALMOPLEGIA. Identifiers: Orphanet 598, Orphanet 98905, MedGen C1850674, MONDO:0009712, OMIM 255320, HP:0003789.
Malignant hyperthermia, susceptibility to, 1 (MHS1). Also called: RYR1-Related Malignant Hyperthermia Susceptibility; Anesthesia related hyperthermia; Malignant hyperpyrexia; Fulminating hyperpyrexia; Pharmacogenic myopathy; Malignant hyperthermia suceptibility 1. Identifiers: Orphanet 423, MedGen C2930980, MONDO:0007783, OMIM 145600.
King Denborough syndrome (KDS). Identifiers: MedGen C1840365, MONDO:0020485, OMIM 619542.
Central core myopathy (CMYO1A). Also called: CONGENITAL MYOPATHY 1A, AUTOSOMAL DOMINANT, WITH SUSCEPTIBILITY TO MALIGNANT HYPERTHERMIA; Central core disease; Myopathy, central fibrillar. Identifiers: Orphanet 597, MedGen C5830701, MONDO:0007294, OMIM 117000.
Malignant hypothermia.
RYR1-related disorder. Also called: RYR1-related condition; RYR1-related disorders. Identifiers: MedGen CN239331.

Allele frequency attached by ClinVar (database versions not stated): gnomAD exomes 0.00005 and 0.00012; ExAC 0.00015; ESP Exome Variant Server 0.00038; gnomAD 0.00053 and 0.00061; TOPMed 0.00062.
gnomAD v4.1: 168 of 1,613,770 alleles (0.01%); highest among the groups gnomAD compares: African/African-American, 0.16%; no homozygotes.

Submissions (10):

GeneDx
Classification: Uncertain significance. Last evaluated: 2026-08-12. Review status: criteria provided, single submitter. Criteria: GeneDx Variant Classification Process June 2021. Collection method: clinical testing. Allele origin: germline.
Comment: Reported in a patient with central core disease who also harbored a second pathogenic RYR1 variant, phase unknown (PMID: 33458582); In silico analysis supports that this missense variant has a deleterious effect on protein structure/function; This variant is associated with the following publications: (PMID: 33458582, 30122538, 32236737)

Mayo Clinic Laboratories, Mayo Clinic
Classification: Uncertain significance. Last evaluated: 2025-09-16. Review status: criteria provided, single submitter. Criteria: ACMG Guidelines, 2015. Collection method: clinical testing. Allele origin: germline. Observed: 2 variant alleles.
Comment: BP2, PM2_supporting

Revvity Omics, Revvity
Classification: Uncertain significance. Last evaluated: 2025-07-24. Review status: criteria provided, single submitter. Criteria: ACMG Guidelines, 2015. Collection method: clinical testing. Allele origin: germline.

PreventionGenetics, part of Exact Sciences
Classification: Uncertain significance for RYR1-related condition. Last evaluated: 2025-06-17. Review status: criteria provided, single submitter. Criteria: ACMG Guidelines, 2015. Collection method: clinical testing. Allele origin: germline.
Comment: The RYR1 c.11321C>T variant is predicted to result in the amino acid substitution p.Ala3774Val. This variant was reported in an individual presenting with central core disease who was also positive for a second pathogenic variant in RYR1 (Family 7, Table 1, Galleni Leão et al. 2020. PubMed ID: 33458582). This variant is reported in 0.14% of alleles in individuals of African descent in gnomAD. At this time, the clinical significance of this variant is uncertain due to the absence of conclusive functional and genetic evidence.

Labcorp Genetics (formerly Invitae), Labcorp
Classification: Uncertain significance for RYR1-related disorder. Last evaluated: 2025-01-20. Review status: criteria provided, single submitter. Criteria: Invitae Variant Classification Sherloc (09022015). Collection method: clinical testing. Allele origin: germline.
Comment: This sequence change replaces alanine, which is neutral and non-polar, with valine, which is neutral and non-polar, at codon 3774 of the RYR1 protein (p.Ala3774Val). This variant is present in population databases (rs146361173, gnomAD 0.1%). This missense change has been observed in individual(s) with RYR1-related conditions (PMID: 33458582). ClinVar contains an entry for this variant (Variation ID: 252488). Invitae Evidence Modeling of protein sequence and biophysical properties (such as structural, functional, and spatial information, amino acid conservation, physicochemical variation, residue mobility, and thermodynamic stability) indicates that this missense variant is not expected to disrupt RYR1 protein function with a negative predictive value of 80%. In summary, the available evidence is currently insufficient to determine the role of this variant in disease. Therefore, it has been classified as a Variant of Uncertain Significance.

Blueprint Genetics
Classification: Uncertain significance. Last evaluated: 2024-09-16. Review status: criteria provided, single submitter. Criteria: ACMG Guidelines, 2015. Collection method: clinical testing. Allele origin: germline.

Athena Diagnostics
Classification: Uncertain significance. Last evaluated: 2023-04-12. Review status: criteria provided, single submitter. Criteria: Athena Diagnostics Criteria. Collection method: clinical testing. Allele origin: unknown.
Comment: Available data are insufficient to determine the clinical significance of the variant at this time. The frequency of this variant in the general population is higher than would generally be expected for pathogenic variants in this gene. Computational tools predict that this variant is damaging.

Color Diagnostics, LLC DBA Color Health
Classification: Likely benign for Malignant hyperthermia, susceptibility to, 1. Last evaluated: 2023-02-07. Review status: criteria provided, single submitter. Criteria: ACMG Guidelines, 2015. Collection method: clinical testing. Allele origin: germline.

Fulgent Genetics
Classification: Uncertain significance for Central core myopathy; Malignant hyperthermia, susceptibility to, 1; Congenital myopathy 4A, autosomal dominant; Congenital multicore myopathy with external ophthalmoplegia; King Denborough syndrome. Last evaluated: 2021-08-03. Review status: criteria provided, single submitter. Criteria: ACMG Guidelines, 2015. Collection method: clinical testing. Allele origin: unknown.

Genomic Diagnostic Laboratory, Division of Genomic Diagnostics, Children's Hospital of Philadelphia
Classification: Uncertain significance for Malignant hypothermia. Last evaluated: 2015-09-24. Review status: criteria provided, single submitter. Criteria: DGD Variant Analysis Guidelines. Collection method: clinical testing. Allele origin: unknown.

Literature cited by the submitters: PubMed 32236737 (cited by Mayo Clinic Laboratories, Mayo Clinic and Athena Diagnostics); PubMed 33458582 (cited by 3 submitters); PubMed 30122538 (cited by Athena Diagnostics).

NM_000540.3(RYR1):c.11321C>T (p.Ala3774Val)

Gene: RYR1 (ryanodine receptor 1; plus strand). Cytogenetic location: 19q13.2.
Variant type: single nucleotide variant.
Coding change: c.11321C>T on transcript NM_000540.3 (MANE Select); coding-DNA position 11321, C replaced by T.
Protein change: p.Ala3774Val; replaces alanine 3774 with valine.
Molecular consequence: missense variant.
Genome position (GRCh38, 1-based): chr19:38,534,781, C>T. VCF-style: chr19-38534781-C-T. GRCh37 (hg19) VCF-style: chr19-39025421-C-T.
Other names: p.Ala3774Val; c.11306C>T, p.Ala3769Val (NM_001042723.2); short protein forms A3774V, A3769V.
Identifiers: ClinVar variation 252488 (VCV000252488.26), dbSNP rs146361173, ClinGen allele CA056720.
Genomic context (GRCh38, chr19:38,534,781, plus strand): 5'-AGAAACAGATGGAGAAGCAGAGGCTCTTGTACCAGCAAGCACGGCTGCACACCCGGGGGG[C>T]GGCCGAGATGGTGCTGCAGATGATCAGTGCCTGCAAAGGTGCCCCTCACATGTGCACTGG-3'
Protein context (NP_000531.2, residues 3764-3784): YQQARLHTRG[Ala3774Val]AEMVLQMISA